The following is an entry in ClinVar:

NM_013432.5(TONSL):c.2623C>T (p.Arg875Ter)

Genes: TONSL (tonsoku like, DNA repair protein; minus strand), TONSL-AS1 (TONSL antisense RNA 1; plus strand). Cytogenetic location: 8q24.3.
Variant type: single nucleotide variant.
Coding change: c.2623C>T on transcript NM_013432.5 (MANE Select); coding-DNA position 2623, C replaced by T.
Protein change: p.Arg875Ter; replaces arginine 875 with a stop codon.
Molecular consequence: nonsense.
Genome position (GRCh38, 1-based): chr8:144,435,810, G>A on the plus strand (C>T on the coding strand, the complement: TONSL is on the minus strand). VCF-style: chr8-144435810-G-A. GRCh37 (hg19) VCF-style: chr8-145661193-G-A.
Other names: c.2623C>T (NM_013432.4); short protein forms R875*.
Identifiers: ClinVar variation 1429349 (VCV001429349.7), dbSNP rs568942029, ClinGen allele CA187667106.

ClinVar aggregate classification (germline): Pathogenic/Likely pathogenic. Review status: criteria provided, multiple submitters, no conflicts (2 of 4 stars). 3 submissions from 3 submitters: Pathogenic (2); Likely pathogenic (1). Last evaluated 2024-06-13.

Conditions:
TONSL-related disorder. Also called: TONSL-related condition.
Sponastrime dysplasia. Also called: SPONDYLAR AND NASAL ALTERATIONS WITH STRIATED METAPHYSES. Identifiers: Orphanet 93357, MedGen C1300260, MONDO:0010068, OMIM 271510.

Allele frequency attached by ClinVar (database versions not stated): gnomAD 0.00001; gnomAD exomes 0.00001; 1000 Genomes Project 0.00020; 1000 Genomes Project 30x 0.00031.

Submissions (3):

Women's Health and Genetics/Laboratory Corporation of America, LabCorp
Classification: Pathogenic for Sponastrime dysplasia. Last evaluated: 2024-06-13. Review status: criteria provided, single submitter. Criteria: LabCorp Variant Classification Summary - May 2015. Collection method: clinical testing. Allele origin: germline.
Comment: Variant summary: TONSL c.2623C>T (p.Arg875X) results in a premature termination codon, predicted to cause a truncation of the encoded protein or absence of the protein due to nonsense mediated decay, which are commonly known mechanisms for disease. The frequency data for this variant in gnomAD is considered unreliable, as metrics indicate poor data quality at this position. To our knowledge, no occurrence of c.2623C>T in individuals affected with Sponastrime Dysplasia and no experimental evidence demonstrating its impact on protein function have been reported. ClinVar contains an entry for this variant (Variation ID: 1429349). Based on the evidence outlined above, the variant was classified as pathogenic.

PreventionGenetics, part of Exact Sciences
Classification: Likely pathogenic for TONSL-related condition. Last evaluated: 2022-08-29. Review status: criteria provided, single submitter. Criteria: ACMG Guidelines, 2015. Collection method: clinical testing. Allele origin: germline.
Comment: The TONSL c.2623C>T variant is predicted to result in premature protein termination (p.Arg875*). To our knowledge, this variant has not been reported in the literature or in a large population database, indicating this variant is rare. Nonsense variants in TONSL are expected to be pathogenic. This variant is interpreted as likely pathogenic.

Labcorp Genetics (formerly Invitae), Labcorp
Classification: Pathogenic. Last evaluated: 2021-09-15. Review status: criteria provided, single submitter. Criteria: Invitae Variant Classification Sherloc (09022015). Collection method: clinical testing. Allele origin: germline.
Comment: For these reasons, this variant has been classified as Pathogenic. This variant has not been reported in the literature in individuals affected with TONSL-related conditions. This variant is not present in population databases (ExAC no frequency). This sequence change creates a premature translational stop signal (p.Arg875*) in the TONSL gene. It is expected to result in an absent or disrupted protein product. Loss-of-function variants in TONSL are known to be pathogenic (PMID: 30773277).

Literature cited by the submitters: PubMed 30773277 (cited by Labcorp Genetics (formerly Invitae), Labcorp).